The following is an entry in ClinVar:

NM_000063.6(C2):c.1544A>C (p.His515Pro)

Gene: C2 (complement C2; plus strand). Cytogenetic location: 6p21.33.
Variant type: single nucleotide variant.
Coding change: c.1544A>C on transcript NM_000063.6 (MANE Select); coding-DNA position 1544, A replaced by C.
Protein change: p.His515Pro; replaces histidine 515 with proline.
Molecular consequence: missense variant.
Genome position (GRCh38, 1-based): chr6:31,943,504, A>C. VCF-style: chr6-31943504-A-C. GRCh37 (hg19) VCF-style: chr6-31911281-A-C.
Other names: p.His515Pro; c.1148A>C, p.His383Pro (NM_001145903.3); c.902A>C, p.His301Pro (NM_001178063.3); c.806A>C, p.His269Pro (NM_001282457.2); c.1457A>C, p.His486Pro (NM_001282458.2); short protein forms H269P, H301P, H383P, H486P, H515P.
Identifiers: ClinVar variation 3379646 (VCV003379646.1).

ClinVar aggregate classification (germline): Uncertain significance (1 of 4 stars; one submission).

gnomAD v4.1: 1 of 1,612,814 alleles (0.000062%); highest among the groups gnomAD compares: Non-Finnish European, 0.000085%; no homozygotes.

Submission:

Mayo Clinic Laboratories, Mayo Clinic
Classification: Uncertain significance. Last evaluated: 2024-01-15. Review status: criteria provided, single submitter. Criteria: ACMG Guidelines, 2015. Collection method: clinical testing. Allele origin: germline. Observed: 1 variant allele.
Comment: BP4, PM2